The following is an entry in ClinVar:

NM_001142800.2(EYS):c.9019G>T (p.Asp3007Tyr)

Genes: EYS (EGF-like photoreceptor maintenance factor; minus strand), PHF3 (PHD finger protein 3; plus strand). Cytogenetic location: 6q12.
Variant type: single nucleotide variant.
Coding change: c.9019G>T on transcript NM_001142800.2 (MANE Select); coding-DNA position 9019, G replaced by T.
Protein change: p.Asp3007Tyr; replaces aspartic acid 3007 with tyrosine.
Molecular consequence: missense variant. On other transcripts: 3 prime UTR variant (5).
Genome position (GRCh38, 1-based): chr6:63,721,012, C>A on the plus strand (G>T on the coding strand, the complement: EYS is on the minus strand). VCF-style: chr6-63721012-C-A. GRCh37 (hg19) VCF-style: chr6-64430908-C-A.
Other names: c.*7304C>A (NM_001290259.2, NM_001370348.2, NM_001370349.2 and 2 more transcripts); c.9082G>T, p.Asp3028Tyr (NM_001292009.2); short protein forms D3028Y, D3007Y.
Identifiers: ClinVar variation 1500117 (VCV001500117.15), dbSNP rs888739369, ClinGen allele CA140236808.
Genomic context (GRCh38, chr6:63,721,012, plus strand): 5'-TTTCTCCCAAGTTAACTGCTATTTTCAAGGTCTGATTATGGAGACCAATTGCCAGAAAAT[C>A]ATTTTCTTCATTTTGAGCTATTCCCATCCATACAATTAGACCTTCTGTTTTAGTGGTACT-3'
Protein context (NP_001136272.1, residues 2997-3017): WMGIAQNEEN[Asp3007Tyr]FLAIGLHNQT

ClinVar aggregate classification (germline): Conflicting classifications of pathogenicity. Review status: criteria provided, conflicting classifications (1 of 4 stars). 8 submissions from 8 submitters: Pathogenic (2); Likely pathogenic (5); Uncertain significance (1). Last evaluated 2025-03-12.

Conditions:
Retinitis pigmentosa (RP). Identifiers: Orphanet 791, MedGen C0035334, MeSH D012174, MONDO:0019200, OMIM 268000. Inheritance: Autosomal dominant, autosomal recessive and X linked inheritance.
EYS-related disorder. Also called: EYS-related condition.
Retinitis pigmentosa 25 (RP25). Identifiers: Orphanet 791, MedGen C1864446, MONDO:0011272, OMIM 602772.

Allele frequency attached by ClinVar (database versions not stated): gnomAD exomes 0.00001; gnomAD 0.00003; TOPMed 0.00003.
gnomAD v4.1: 7 of 1,551,090 alleles (0.00045%); highest among the groups gnomAD compares: African/African-American, 0.0055%; no homozygotes.

Submissions (8):

Myriad Genetics, Inc.
Classification: Likely pathogenic for Retinitis pigmentosa 25. Last evaluated: 2025-03-12. Review status: criteria provided, single submitter. Criteria: Myriad Autosomal Dominant, Autosomal Recessive and X-Linked Classification Criteria (2023). Collection method: clinical testing. Allele origin: unknown.
Comment: NM_001142800.1(EYS):c.9019G>T(D3007Y) is a missense variant classified as likely pathogenic in the context of retinitis pigmentosa, EYS-related. D3007Y has been observed in cases with relevant disease (PMID: 29159838, 31814702, 31963847, 21179430). Relevant functional assessments of this variant are not available in the literature. D3007Y has been observed in referenced population frequency databases. . Please note: this variant was assessed in the context of healthy population screening.

Natera, Inc.
Classification: Likely pathogenic for Retinitis pigmentosa type 25. Last evaluated: 2025-01-14. Review status: criteria provided, single submitter. Criteria: Natera Variant Classification Schema (03/2026). Collection method: clinical testing. Allele origin: germline.
Comment: The c.9019G>T variant in EYS is a missense variant predicted to cause substitution of aspartic acid to tyrosine at amino acid 3007. This variant is rare in the general population with a frequency below the threshold expected for the associated phenotype(s). This variant has been observed in one or more individuals affected with the associated recessive disease, as either homozygous or compound heterozygous with a second variant (PMID: 37506127, 21179430, 34178978). Additionally, this variant has been observed to segregate in affected family members (PMID: 21179430). Computational prediction algorithms indicate this variant is likely to affect gene or protein function. Given the available evidence, this variant is classified as Likely Pathogenic.

Laboratory for Molecular Medicine, Mass General Brigham Personalized Medicine
Classification: Uncertain significance. Last evaluated: 2024-01-07. Review status: criteria provided, single submitter. Criteria: ACMG Guidelines, 2015. Collection method: clinical testing. Allele origin: germline.
Comment: The p.Asp3028Tyr variant in EYS has been reported in the homozygous state in at least 3 individuals with retinitis pigmentosa (Khan 2010 PMID: 21179430, Iwanami 2019 PMID: 31814702, Invitae pers. comm.). This variant segregated with EYS-associated disorder(s) in 1 affected relative from 1 family (Khan 2010 PMID: 21179430). This variant has been identified in 0.01% (4/41446) of African/African American chromosomes by gnomAD (v3.1.2). This variant has also been reported in ClinVar (Variation ID 1500117). Computational prediction tools and conservation analyses do not provide strong support for or against an impact to the protein. In summary, while there is some suspicion for a pathogenic role, the clinical significance of this variant is uncertain. ACMG/AMP Criteria applied: PM3, PM2_Supporting, PP1.

Labcorp Genetics (formerly Invitae), Labcorp
Classification: Likely pathogenic. Last evaluated: 2024-01-02. Review status: criteria provided, single submitter. Criteria: Invitae Variant Classification Sherloc (09022015). Collection method: clinical testing. Allele origin: germline.
Comment: This sequence change replaces aspartic acid, which is acidic and polar, with tyrosine, which is neutral and polar, at codon 3007 of the EYS protein (p.Asp3007Tyr). The frequency data for this variant in the population databases is considered unreliable, as metrics indicate poor data quality at this position in the gnomAD database. This missense change has been observed in individuals with retinitis pigmentosa (PMID: 21179430, 29159838, 31814702; Invitae). It has also been observed to segregate with disease in related individuals. This variant is also known as p.D3028Y. ClinVar contains an entry for this variant (Variation ID: 1500117). Advanced modeling of protein sequence and biophysical properties (such as structural, functional, and spatial information, amino acid conservation, physicochemical variation, residue mobility, and thermodynamic stability) has been performed at Invitae for this missense variant, however the output from this modeling did not meet the statistical confidence thresholds required to predict the impact of this variant on EYS protein function. In summary, the currently available evidence indicates that the variant is pathogenic, but additional data are needed to prove that conclusively. Therefore, this variant has been classified as Likely Pathogenic.

Baylor Genetics
Classification: Likely pathogenic for Retinitis pigmentosa 25. Last evaluated: 2023-06-13. Review status: criteria provided, single submitter. Criteria: ACMG Guidelines, 2015. Collection method: clinical testing. Allele origin: unknown.

Women's Health and Genetics/Laboratory Corporation of America, LabCorp
Classification: Likely pathogenic for Retinitis pigmentosa. Last evaluated: 2022-12-09. Review status: criteria provided, single submitter. Criteria: LabCorp Variant Classification Summary - May 2015. Collection method: clinical testing. Allele origin: germline.
Comment: Variant summary: EYS c.9019G>T (p.Asp3007Tyr) results in a non-conservative amino acid change located in the Laminin G domain of the encoded protein sequence. Three of five in-silico tools predict a damaging effect of the variant on protein function. The variant allele was found at a frequency of 6.4e-06 in 156460 control chromosomes. c.9019G>T has been reported in the literature in individuals affected with Retinitis Pigmentosa. These data indicate that the variant is likely to be associated with disease. To our knowledge, no experimental evidence demonstrating an impact on protein function has been reported. Two clinical diagnostic laboratories have submitted clinical-significance assessments for this variant to ClinVar after 2014 without evidence for independent evaluation. Both laboratories classified the variant as pathogenic/likely pathogenic. Based on the evidence outlined above, the variant was classified as likely pathogenic.

Mendelics
Classification: Pathogenic for Retinitis pigmentosa 25. Last evaluated: 2022-05-04. Review status: criteria provided, single submitter. Criteria: Mendelics Assertion Criteria 2019. Collection method: clinical testing. Allele origin: germline.

Blueprint Genetics
Classification: Pathogenic for EYS-related disorders. Last evaluated: 2019-03-15. Review status: criteria provided, single submitter. Criteria: ACMG Guidelines, 2015. Collection method: clinical testing. Allele origin: germline. Affected: yes. Observed: 2 variant alleles.

Literature cited by the submitters: PubMed 21179430 (cited by 4 submitters); PubMed 29159838 (cited by Myriad Genetics, Inc. and Labcorp Genetics (formerly Invitae), Labcorp); PubMed 31814702 (cited by 3 submitters); PubMed 31963847 (cited by Myriad Genetics, Inc.); PubMed 37506127 (cited by Natera, Inc.); PubMed 34178978 (cited by Natera, Inc.).